The following is an entry in ClinVar:

NM_024753.5(TTC21B):c.2600G>A (p.Arg867His)

Gene: TTC21B (tetratricopeptide repeat domain 21B; minus strand). Cytogenetic location: 2q24.3.
Variant type: single nucleotide variant.
Coding change: c.2600G>A on transcript NM_024753.5 (MANE Select); coding-DNA position 2600, G replaced by A.
Protein change: p.Arg867His; replaces arginine 867 with histidine.
Molecular consequence: missense variant.
Genome position (GRCh38, 1-based): chr2:165,901,879, C>T on the plus strand (G>A on the coding strand, the complement: TTC21B is on the minus strand). VCF-style: chr2-165901879-C-T. GRCh37 (hg19) VCF-style: chr2-166758389-C-T.
Other names: short protein forms R867H.
Identifiers: ClinVar variation 261776 (VCV000261776.61), dbSNP rs76726265, ClinGen allele CA1941767.

ClinVar aggregate classification (germline): Conflicting classifications of pathogenicity. Review status: criteria provided, conflicting classifications (1 of 4 stars). 10 submissions from 9 submitters: Uncertain significance (4); Likely benign (6). Last evaluated 2026-02-01.

Conditions:
Jeune thoracic dystrophy. Also called: Short-rib thoracic dysplasia; Jeune syndrome; Infantile thoracic dystrophy; Thoracic pelvic phalangeal dystrophy; Jeune's syndrome; Chondroectodermal dysplasia-like syndrome. Identifiers: Orphanet 474, MedGen C0265275, MONDO:0018770.
Nephronophthisis. Also called: Juvenile Nephronophthisis. Identifiers: Orphanet 655, MedGen C0687120, MONDO:0019005, HP:0000090.
Nephronophthisis 12 (NPHP12). Identifiers: Orphanet 655, MedGen C3151186, MONDO:0013442, OMIM 613820.
Asphyxiating thoracic dystrophy 4 (SRTD4). Also called: SHORT-RIB THORACIC DYSPLASIA 4 WITH OR WITHOUT POLYDACTYLY; SHORT-RIB THORACIC DYSPLASIA 4. Identifiers: Orphanet 474, MedGen C3151185, MONDO:0013441, OMIM 613819.

Allele frequency attached by ClinVar (database versions not stated): gnomAD exomes 0.00016 and 0.00039; ExAC 0.00058; 1000 Genomes Project 30x 0.00109; 1000 Genomes Project 0.00120; gnomAD 0.00144 and 0.00161; TOPMed 0.00160; ESP Exome Variant Server 0.00192.

Submissions (10):

Labcorp Genetics (formerly Invitae), Labcorp
Classification: Likely benign for Jeune thoracic dystrophy; Nephronophthisis. Last evaluated: 2026-02-01. Review status: criteria provided, single submitter. Criteria: Invitae Variant Classification Sherloc (09022015). Collection method: clinical testing. Allele origin: germline.

Blueprint Genetics
Classification: Likely benign. Last evaluated: 2023-10-19. Review status: criteria provided, single submitter. Criteria: ACMG Guidelines, 2015. Collection method: clinical testing. Allele origin: germline.

CeGaT Center for Human Genetics Tuebingen
Classification: Uncertain significance. Last evaluated: 2022-03-01. Review status: criteria provided, single submitter. Criteria: CeGaT Center For Human Genetics Tuebingen Variant Classification Criteria Version 2. Collection method: clinical testing. Allele origin: germline. Affected: yes. Observed: 1 variant allele.

Genetic Services Laboratory, University of Chicago
Classification: Uncertain significance. Last evaluated: 2021-09-20. Review status: criteria provided, single submitter. Criteria: ACMG Guidelines, 2015. Collection method: clinical testing. Allele origin: germline. Affected: no.
Comment: DNA sequence analysis of the TTC21B gene demonstrated a sequence change, c.2600G>A, in exon 20 that results in an amino acid change, p.Arg867His. This sequence change has been described in the gnomAD database with a frequency of 0.53% in the African/African American subpopulation (dbSNP rs76726265). The p.Arg867His change affects a highly conserved amino acid residue located in a domain of the TTC21B protein that is known to be functional. In-silico pathogenicity prediction tools (SIFT, PolyPhen2, Align GVGD, REVEL) provide contradictory results for the p.Arg867His substitution. This sequence change has been reported in an individual with Meckel-Gruber syndrome and in an individual with asphyxiating thoracic dystrophy (PMID: 21258341, 27666822 ). These individuals, however, also carried a pathogenic variant in another gene that could cause their phenotype. Due to insufficient evidences and the lack of functional studies, the clinical significance of the p.Arg867His change remains unknown at this time.

GeneDx
Classification: Likely benign. Last evaluated: 2020-10-07. Review status: criteria provided, single submitter. Criteria: GeneDx Variant Classification Process June 2021. Collection method: clinical testing. Allele origin: germline. Affected: yes.
Comment: This variant is associated with the following publications: (PMID: 27666822, 21258341)

Dubai Health Genomic Medicine Center, Dubai Health
Classification: Uncertain significance for Nephronophthisis 12. Last evaluated: 2020-08-18. Review status: criteria provided, single submitter. Criteria: ACMG Guidelines, 2015. Collection method: clinical testing. Allele origin: germline. Affected: yes.
Comment: The p.Arg867His missense variant in TTC21B has been previously reported in the heterozygous one patient with ciliopathy (PMID: 21258341). It was also identified in 132/24936 (0.53% 0 homozygotes) African alleles in the Genome Aggregation Database (gnomAD) and in 1/1985 (0.05% 0 homozygotes) total alleles in the Greater Middle East (GME) variome database. Functional studies suggest that the p.Arg867His variant might have a null effect (PMID: 21258341). Computational prediction tools and conservation analysis suggest an impact to protein function however this information is not predictive enough to confirm pathogenicity. In summary more information is needed to determine the clinical significance of this variant.

ARUP Laboratories, Molecular Genetics and Genomics, ARUP Laboratories
Classification: Uncertain significance. Last evaluated: 2019-09-25. Review status: criteria provided, single submitter. Criteria: ARUP Molecular Germline Variant Investigation Process. Collection method: clinical testing. Allele origin: germline.
Comment: The TTC21B c.2600G>A; p.Arg867His variant (rs76726265) is reported in the literature in an individual affected with Meckel-Gruber syndrome (Davis 2011), an individual with asphyxiating thoracic dystrophy (Duran 2016), as well as a healthy control (Davis 2011). However, both affected individuals carried additional pathogenic variants that could explain the observed phenotypes (Davis 2011, Duran 2016). Another variant at this codon (p.Arg867Cys) has been reported in an individual with Joubert syndrome (Davis 2011). The p.Arg867His variant is reported in ClinVar (Variation ID: 261776) and is found in the African population with an overall allele frequency of 0.49% (117/24006 alleles) in the Genome Aggregation Database. The arginine at codon 867 is highly conserved, and computational analyses (SIFT, PolyPhen-2) predict that this variant is deleterious. In an in vivo complementation assay of zebrafish ttc21b morphant phenotypes, neither a p.Arg867His variant nor a p.Arg867Cys variant rescued developmental phenotypes as robustly as a wildtype human TTC21B control (Davis 2011). Due to conflicting information, the clinical significance of the p.Arg867His variant is uncertain at this time. References: Davis EE et al. TTC21B contributes both causal and modifying alleles across the ciliopathy spectrum. Nat Genet. 2011 Mar;43(3):189-96. Duran I et al. Destabilization of the IFT-B cilia core complex due to mutations in IFT81 causes a Spectrum of Short-Rib Polydactyly Syndrome. Sci Rep. 2016 Sep 26;6:34232.

Illumina Laboratory Services, Illumina
Classification: Likely benign for Asphyxiating thoracic dystrophy 4. Last evaluated: 2017-04-28. Review status: criteria provided, single submitter. Criteria: ICSL Variant Classification Criteria 13 December 2019. Collection method: clinical testing. Allele origin: germline.
Comment: This variant was observed as part of a predisposition screen in an ostensibly healthy population. A literature search was performed for the gene, cDNA change, and amino acid change (where applicable). Publications were found based on this search. The evidence from the literature, in combination with allele frequency data from public databases where available, was sufficient to determine this variant is unlikely to cause disease. Therefore, this variant is classified as likely benign.

Illumina Laboratory Services, Illumina
Classification: Likely benign for Nephronophthisis 12. Last evaluated: 2017-04-28. Review status: criteria provided, single submitter. Criteria: ICSL Variant Classification Criteria 13 December 2019. Collection method: clinical testing. Allele origin: germline.
Comment: the same text as in the submission from Illumina Laboratory Services, Illumina above.

PreventionGenetics, part of Exact Sciences
Classification: Likely benign. Review status: criteria provided, single submitter. Criteria: ACMG Guidelines, 2015. Collection method: clinical testing. Allele origin: germline.

Literature cited by the submitters: PubMed 21258341 (cited by Illumina Laboratory Services, Illumina).